The following is an entry in ClinVar:

NM_001374828.1(ARID1B):c.2815G>A (p.Gly939Ser)

Gene: ARID1B (AT-rich interaction domain 1B; plus strand). Cytogenetic location: 6q25.3.
Variant type: single nucleotide variant.
Coding change: c.2815G>A on transcript NM_001374828.1 (MANE Select); coding-DNA position 2815, G replaced by A.
Protein change: p.Gly939Ser; replaces glycine 939 with serine.
Molecular consequence: missense variant.
Genome position (GRCh38, 1-based): chr6:157,148,677, G>A. VCF-style: chr6-157148677-G-A. GRCh37 (hg19) VCF-style: chr6-157469811-G-A.
Other names: c.2605G>A (NM_020732.3); c.316G>A, p.Gly106Ser (NM_001363725.2); c.2854G>A, p.Gly952Ser (NM_001371656.1, NM_001374820.1); c.2815G>A, p.Gly939Ser (NM_017519.3); short protein forms G106S, G939S, G952S.
Identifiers: ClinVar variation 1228003 (VCV001228003.38), dbSNP rs145635490, ClinGen allele CA4067151.

ClinVar aggregate classification (germline): Benign/Likely benign. Review status: criteria provided, multiple submitters, no conflicts (2 of 4 stars). 6 submissions from 6 submitters: Benign (2); Likely benign (3). 1 of the submissions does not count toward it. Last evaluated 2025-11-15.

Conditions:
ARID1B-Related Disorder. Identifiers: MedGen CN381337.
Inborn genetic diseases. Identifiers: MedGen C0950123, MeSH D030342.

Allele frequency attached by ClinVar (database versions not stated): gnomAD exomes 0.00012 and 0.00019; ExAC 0.00022; gnomAD 0.00046; TOPMed 0.00053; 1000 Genomes Project 0.00060; ESP Exome Variant Server 0.00069; 1000 Genomes Project 30x 0.00094.
gnomAD v4.1: 240 of 1,610,930 alleles (0.015%); highest among the groups gnomAD compares: African/African-American, 0.18%; no homozygotes.

Submissions (6):

Labcorp Genetics (formerly Invitae), Labcorp
Classification: Likely benign. Last evaluated: 2025-11-15. Review status: criteria provided, single submitter. Criteria: Invitae Variant Classification Sherloc (09022015). Collection method: clinical testing. Allele origin: germline.

Blueprint Genetics
Classification: Likely benign. Last evaluated: 2024-09-23. Review status: criteria provided, single submitter. Criteria: ACMG Guidelines, 2015. Collection method: clinical testing. Allele origin: germline.

CeGaT Center for Human Genetics Tuebingen
Classification: Likely benign. Last evaluated: 2023-06-01. Review status: criteria provided, single submitter. Criteria: CeGaT Center For Human Genetics Tuebingen Variant Classification Criteria Version 2. Collection method: clinical testing. Allele origin: germline. Affected: yes. Observed: 1 variant allele.
Comment: ARID1B: BS1

Ambry Genetics
Classification: Benign for Inborn genetic diseases. Last evaluated: 2020-06-03. Review status: criteria provided, single submitter. Criteria: Ambry Variant Classification Scheme 2023. Collection method: clinical testing. Allele origin: germline.

GeneDx
Classification: Benign. Last evaluated: 2020-04-15. Review status: criteria provided, single submitter. Criteria: GeneDx Variant Classification Process June 2021. Collection method: clinical testing. Allele origin: germline. Affected: yes.

PreventionGenetics, part of Exact Sciences
Classification: Likely benign for ARID1B-related condition. Last evaluated: 2023-07-05. Review status: no assertion criteria provided. Collection method: clinical testing. Allele origin: germline. Not counted in ClinVar's aggregate classification.
Comment: This variant is classified as likely benign based on ACMG/AMP sequence variant interpretation guidelines (Richards et al. 2015 PMID: 25741868, with internal and published modifications).